The following is an entry in ClinVar:

ClinVar aggregate classification (germline): Uncertain significance. Review status: criteria provided, multiple submitters, no conflicts (2 of 4 stars). 2 submissions from 2 submitters: Uncertain significance (2). Last evaluated 2025-09-25.

Conditions:
Sialuria. Also called: SIALURIA, FRENCH TYPE; Sialic Acid Storage Disease. Identifiers: Orphanet 3166, MedGen C0342853, MONDO:0010028, OMIM 269921.
GNE myopathy (NM). Also called: INCLUSION BODY MYOPATHY, HEREDITARY, AUTOSOMAL RECESSIVE; INCLUSION BODY MYOPATHY 2, AUTOSOMAL RECESSIVE; IBM 2; Inclusion body myopathy autosomal recessive; Inclusion body myopathy quadriceps sparing; NONAKA DISTAL MYOPATHY. Identifiers: Orphanet 602, MedGen C1853926, MONDO:0011603, OMIM 605820.

Allele frequency attached by ClinVar (database versions not stated): gnomAD exomes below 0.00001.
gnomAD v4.1: 1 of 1,602,938 alleles (0.000062%); highest among the groups gnomAD compares: Non-Finnish European, 0.000085%; no homozygotes.

Submissions (2):

Mayo Clinic Laboratories, Mayo Clinic
Classification: Uncertain significance. Last evaluated: 2025-09-25. Review status: criteria provided, single submitter. Criteria: ACMG Guidelines, 2015. Collection method: clinical testing. Allele origin: germline. Observed: 1 variant allele.
Comment: PM2_supporting

Labcorp Genetics (formerly Invitae), Labcorp
Classification: Uncertain significance for Sialuria; GNE myopathy. Last evaluated: 2022-07-26. Review status: criteria provided, single submitter. Criteria: Invitae Variant Classification Sherloc (09022015). Collection method: clinical testing. Allele origin: germline.
Comment: In summary, the available evidence is currently insufficient to determine the role of this variant in disease. Therefore, it has been classified as a Variant of Uncertain Significance. Advanced modeling of protein sequence and biophysical properties (such as structural, functional, and spatial information, amino acid conservation, physicochemical variation, residue mobility, and thermodynamic stability) performed at Invitae indicates that this missense variant is not expected to disrupt GNE protein function. ClinVar contains an entry for this variant (Variation ID: 1405991). This missense change has been observed in individual(s) with distal myopathy (PMID: 25046369). This variant is present in population databases (no rsID available, gnomAD 0.0009%). This sequence change replaces glycine, which is neutral and non-polar, with alanine, which is neutral and non-polar, at codon 677 of the GNE protein (p.Gly677Ala).

Literature cited by the submitters: PubMed 25046369 (cited by Labcorp Genetics (formerly Invitae), Labcorp).

NM_005476.7(GNE):c.1937G>C (p.Gly646Ala)

Gene: GNE (glucosamine (UDP-N-acetyl)-2-epimerase/N-acetylmannosamine kinase; minus strand). Cytogenetic location: 9p13.3.
Variant type: single nucleotide variant.
Coding change: c.1937G>C on transcript NM_005476.7 (MANE Select); coding-DNA position 1937, G replaced by C.
Protein change: p.Gly646Ala; replaces glycine 646 with alanine.
Molecular consequence: missense variant.
Genome position (GRCh38, 1-based): chr9:36,217,597, C>G on the plus strand (G>C on the coding strand, the complement: GNE is on the minus strand). VCF-style: chr9-36217597-C-G. GRCh37 (hg19) VCF-style: chr9-36217594-C-G.
Other names: p.Gly677Ala; c.2030G>C, p.Gly677Ala (NM_001128227.3); c.1715G>C, p.Gly572Ala (NM_001190383.3); c.1607G>C, p.Gly536Ala (NM_001190384.3); c.1760G>C, p.Gly587Ala (NM_001190388.2, NM_001374798.1); c.1784G>C, p.Gly595Ala (NM_001374797.1); short protein forms G572A, G536A, G587A, G595A, G646A, G677A.
Identifiers: ClinVar variation 1405991 (VCV001405991.7), dbSNP rs1291163446, ClinGen allele CA373424836.